The following is an entry in ClinVar:

NM_000157.4(GBA1):c.668G>A (p.Trp223Ter)

Genes: GBA1 (glucosylceramidase beta 1; minus strand), LOC106627981 (GBA recombination region; plus strand). Cytogenetic location: 1q22.
Variant type: single nucleotide variant.
Coding change: c.668G>A on transcript NM_000157.4 (MANE Select); coding-DNA position 668, G replaced by A.
Protein change: p.Trp223Ter; replaces tryptophan 223 with a stop codon.
Molecular consequence: nonsense.
Genome position (GRCh38, 1-based): chr1:155,238,227, C>T on the plus strand (G>A on the coding strand, the complement: GBA1 is on the minus strand). VCF-style: chr1-155238227-C-T. GRCh37 (hg19) VCF-style: chr1-155208018-C-T.
Other names: c.668G>A, p.Trp223Ter (NM_001005741.3, NM_001005742.3); c.407G>A, p.Trp136Ter (NM_001171811.2); c.521G>A, p.Trp174Ter (NM_001171812.2); short protein forms W136*, W174*, W223*.
Identifiers: ClinVar variation 4817791 (VCV004817791.1).

ClinVar aggregate classification (germline): Likely pathogenic (1 of 4 stars; one submission).

Conditions:
Gaucher disease. Also called: Acute cerebral Gaucher disease; Cerebroside lipidosis syndrome; Gaucher splenomegaly; Sphingolipidosis 1; Glucocerebrosidosis; Glucosylceramidase deficiency. Identifiers: Orphanet 355, MedGen C0017205, MONDO:0018150.

Submission:

Natera, Inc.
Classification: Likely pathogenic for Gaucher disease. Last evaluated: 2025-09-11. Review status: criteria provided, single submitter. Criteria: Natera Variant Classification Schema (03/2026). Collection method: clinical testing. Allele origin: germline.
Comment: The c.668G>A variant in GBA1 is a nonsense variant predicted to introduce a stop codon at amino acid 223. This variant is expected to result in nonsense mediated decay, truncation, or a dysfunctional protein product. This variant is rare in the general population with a frequency below the threshold expected for the associated phenotype(s). Given the available evidence, this variant is classified as Likely Pathogenic.